The following is an entry in ClinVar:

ClinVar aggregate classification (germline): Benign (1 of 4 stars; one submission).

Allele frequency attached by ClinVar (database versions not stated): 1000 Genomes Project 0.29054; 1000 Genomes Project 30x 0.29263; TOPMed 0.37685; gnomAD 0.37886 and 0.38705.
gnomAD v4.1: 57,440 of 151,792 alleles (38%); highest among the groups gnomAD compares: Non-Finnish European, 42%; 11,219 homozygotes.

Submission:

GeneDx
Classification: Benign. Last evaluated: 2018-06-19. Review status: criteria provided, single submitter. Criteria: GeneDx Variant Classification (06012015). Collection method: clinical testing. Allele origin: germline. Affected: yes.
Comment: This variant is considered likely benign or benign based on one or more of the following criteria: it is a conservative change, it occurs at a poorly conserved position in the protein, it is predicted to be benign by multiple in silico algorithms, and/or has population frequency not consistent with disease.

NM_005045.4(RELN):c.473+326G>A

Gene: RELN (reelin; minus strand). Cytogenetic location: 7q22.1.
Variant type: single nucleotide variant.
Coding change: c.473+326G>A on transcript NM_005045.4 (MANE Select); 326 bases into the intron after coding-DNA position 473, G replaced by A.
Molecular consequence: intron variant.
Genome position (GRCh38, 1-based): chr7:103,833,211, C>T on the plus strand (G>A on the coding strand, the complement: RELN is on the minus strand). VCF-style: chr7-103833211-C-T. GRCh37 (hg19) VCF-style: chr7-103473658-C-T.
Other names: c.473+326G>A (NM_173054.3).
Identifiers: ClinVar variation 668946 (VCV000668946.1), dbSNP rs39368, ClinGen allele CA12477593.
Genomic context (GRCh38, chr7:103,833,211, plus strand): 5'-CAATACATTAACTATAGTCACCATGCTGTGCAGATTTCCAAATTTACTTCTCCTAACTGA[C>T]ACTTGGTACCCTTTAAAAAATTTCTCCCTGTTCCCCACGTCCCCTACCCTCCTGTCCCAC-3'